The following is an entry in ClinVar:

NM_022662.4(ANAPC1):c.1580G>A (p.Arg527Gln)

Gene: ANAPC1 (anaphase promoting complex subunit 1; minus strand). Cytogenetic location: 2q13.
Variant type: single nucleotide variant.
Coding change: c.1580G>A on transcript NM_022662.4 (MANE Select); coding-DNA position 1580, G replaced by A.
Protein change: p.Arg527Gln; replaces arginine 527 with glutamine.
Molecular consequence: missense variant.
Genome position (GRCh38, 1-based): chr2:111,850,846, C>T on the plus strand (G>A on the coding strand, the complement: ANAPC1 is on the minus strand). VCF-style: chr2-111850846-C-T. GRCh37 (hg19) VCF-style: chr2-112608423-C-T.
Other names: short protein forms R527Q.
Identifiers: ClinVar variation 4853713 (VCV004853713.2).

ClinVar aggregate classification (germline): Conflicting classifications of pathogenicity. Review status: criteria provided, conflicting classifications (1 of 4 stars). 2 submissions from 2 submitters: Uncertain significance (1); Likely benign (1). Last evaluated 2026-05-21.

Submissions (2):

Women's Health and Genetics/Laboratory Corporation of America, LabCorp
Classification: Uncertain significance. Last evaluated: 2026-05-21. Review status: criteria provided, single submitter. Criteria: LabCorp Variant Classification Summary - May 2015. Collection method: clinical testing. Allele origin: germline.
Comment: Variant summary: ANAPC1 c.1580G>A (p.Arg527Gln) results in a conservative amino acid change in the encoded protein sequence. Algorithms developed to predict the effect of missense changes on protein structure and function are either unavailable or do not agree on the potential impact of this missense change. The frequency data for this variant in gnomAD is considered unreliable, as metrics indicate poor data quality at this position. To our knowledge, no occurrence of c.1580G>A in individuals affected with ANAPC1-related conditions and no experimental evidence demonstrating its impact on protein function have been reported. No submitters have cited clinical-significance assessments for this variant to ClinVar. Based on the evidence outlined above, the variant was classified as uncertain significance.

Blueprint Genetics
Classification: Likely benign. Last evaluated: 2024-11-26. Review status: criteria provided, single submitter. Criteria: ACMG Guidelines, 2015. Collection method: clinical testing. Allele origin: germline.